The following is an entry in ClinVar:

ClinVar aggregate classification (germline): Uncertain significance (1 of 4 stars; one submission).

Conditions:
Neutrophil immunodeficiency syndrome. Also called: Immunodeficiency 73A with defective neutrophil chemotaxis and leukocytosis. Identifiers: Orphanet 183707, MedGen C1842398, MONDO:0011988, OMIM 608203.

Allele frequency attached by ClinVar (database versions not stated): gnomAD exomes below 0.00001; gnomAD 0.00001.
gnomAD v4.1: 3 of 1,612,760 alleles (0.00019%); highest among the groups gnomAD compares: Non-Finnish European, 0.00025%; no homozygotes.

Submission:

Labcorp Genetics (formerly Invitae), Labcorp
Classification: Uncertain significance for Neutrophil immunodeficiency syndrome. Last evaluated: 2024-11-05. Review status: criteria provided, single submitter. Criteria: Invitae Variant Classification Sherloc (09022015). Collection method: clinical testing. Allele origin: germline.
Comment: This sequence change replaces serine, which is neutral and polar, with threonine, which is neutral and polar, at codon 190 of the RAC2 protein (p.Ser190Thr). This variant is present in population databases (no rsID available, gnomAD 0.007%). This variant has not been reported in the literature in individuals affected with RAC2-related conditions. ClinVar contains an entry for this variant (Variation ID: 1903909). Invitae Evidence Modeling of protein sequence and biophysical properties (such as structural, functional, and spatial information, amino acid conservation, physicochemical variation, residue mobility, and thermodynamic stability) indicates that this missense variant is not expected to disrupt RAC2 protein function with a negative predictive value of 95%. In summary, the available evidence is currently insufficient to determine the role of this variant in disease. Therefore, it has been classified as a Variant of Uncertain Significance.

NM_002872.5(RAC2):c.569G>C (p.Ser190Thr)

Gene: RAC2 (Rac family small GTPase 2; minus strand). Cytogenetic location: 22q13.1.
Variant type: single nucleotide variant.
Coding change: c.569G>C on transcript NM_002872.5 (MANE Select); coding-DNA position 569, G replaced by C.
Protein change: p.Ser190Thr; replaces serine 190 with threonine.
Molecular consequence: missense variant.
Genome position (GRCh38, 1-based): chr22:37,226,683, C>G on the plus strand (G>C on the coding strand, the complement: RAC2 is on the minus strand). VCF-style: chr22-37226683-C-G. GRCh37 (hg19) VCF-style: chr22-37622723-C-G.
Other names: short protein forms S190T.
Identifiers: ClinVar variation 1903909 (VCV001903909.5), dbSNP rs778969295, ClinGen allele CA411441642.